The following is an entry in ClinVar:

NM_000256.3(MYBPC3):c.3699G>C (p.Gln1233His)

Gene: MYBPC3 (myosin binding protein C3; minus strand). Cytogenetic location: 11p11.2.
Variant type: single nucleotide variant.
Coding change: c.3699G>C on transcript NM_000256.3 (MANE Select); coding-DNA position 3699, G replaced by C.
Protein change: p.Gln1233His; replaces glutamine 1233 with histidine.
Molecular consequence: missense variant.
Genome position (GRCh38, 1-based): chr11:47,332,187, C>G on the plus strand (G>C on the coding strand, the complement: MYBPC3 is on the minus strand). VCF-style: chr11-47332187-C-G. GRCh37 (hg19) VCF-style: chr11-47353738-C-G.
Other names: short protein forms Q1233H.
Identifiers: ClinVar variation 2563097 (VCV002563097.2), dbSNP rs200162906, ClinGen allele CA380311306.

ClinVar aggregate classification (germline): Uncertain significance (1 of 4 stars; one submission).

Conditions:
Cardiovascular phenotype. Identifiers: MedGen CN230736.

Submission:

Ambry Genetics
Classification: Uncertain significance for Cardiovascular phenotype. Last evaluated: 2023-06-14. Review status: criteria provided, single submitter. Criteria: Ambry Variant Classification Scheme 2023. Collection method: clinical testing. Allele origin: germline.
Comment: The p.Q1233H variant (also known as c.3699G>C), located in coding exon 33 of the MYBPC3 gene, results from a G to C substitution at nucleotide position 3699. The glutamine at codon 1233 is replaced by histidine, an amino acid with highly similar properties. This amino acid position is conserved. In addition, this alteration is predicted to be tolerated by in silico analysis. Since supporting evidence is limited at this time, the clinical significance of this alteration remains unclear.